The following is an entry in ClinVar:

ClinVar aggregate classification (germline): Uncertain significance (1 of 4 stars; one submission).

Submission:

Labcorp Genetics (formerly Invitae), Labcorp
Classification: Uncertain significance. Last evaluated: 2024-04-08. Review status: criteria provided, single submitter. Criteria: Invitae Variant Classification Sherloc (09022015). Collection method: clinical testing. Allele origin: germline.
Comment: This sequence change replaces serine, which is neutral and polar, with glycine, which is neutral and non-polar, at codon 95 of the RNF113A protein (p.Ser95Gly). This variant is not present in population databases (gnomAD no frequency). This variant has not been reported in the literature in individuals affected with RNF113A-related conditions. Advanced modeling of protein sequence and biophysical properties (such as structural, functional, and spatial information, amino acid conservation, physicochemical variation, residue mobility, and thermodynamic stability) performed at Invitae indicates that this missense variant is not expected to disrupt RNF113A protein function with a negative predictive value of 80%. In summary, the available evidence is currently insufficient to determine the role of this variant in disease. Therefore, it has been classified as a Variant of Uncertain Significance.

NM_006978.3(RNF113A):c.283A>G (p.Ser95Gly)

Gene: RNF113A (ring finger protein 113A; minus strand). Cytogenetic location: Xq24.
Variant type: single nucleotide variant.
Coding change: c.283A>G on transcript NM_006978.3 (MANE Select); coding-DNA position 283, A replaced by G.
Protein change: p.Ser95Gly; replaces serine 95 with glycine.
Molecular consequence: missense variant.
Genome position (GRCh38, 1-based): chrX:119,871,331, T>C on the plus strand (A>G on the coding strand, the complement: RNF113A is on the minus strand). VCF-style: chrX-119871331-T-C. GRCh37 (hg19) VCF-style: chrX-119005294-T-C.
Other names: short protein forms S95G.
Identifiers: ClinVar variation 3649191 (VCV003649191.2).